The following is an entry in ClinVar:

NM_001457.4(FLNB):c.1148G>A (p.Gly383Glu)

Gene: FLNB (filamin B; plus strand). Cytogenetic location: 3p14.3.
Variant type: single nucleotide variant.
Coding change: c.1148G>A on transcript NM_001457.4 (MANE Select); coding-DNA position 1148, G replaced by A.
Protein change: p.Gly383Glu; replaces glycine 383 with glutamic acid.
Molecular consequence: missense variant.
Genome position (GRCh38, 1-based): chr3:58,098,711, G>A. VCF-style: chr3-58098711-G-A. GRCh37 (hg19) VCF-style: chr3-58084438-G-A.
Other names: c.1148G>A, p.Gly383Glu (NM_001164317.2, NM_001164318.2, NM_001164319.2); short protein forms G383E.
Identifiers: ClinVar variation 1396290 (VCV001396290.7), dbSNP rs368729696, ClinGen allele CA2467726.

ClinVar aggregate classification (germline): Uncertain significance. Review status: criteria provided, multiple submitters, no conflicts (2 of 4 stars). 2 submissions from 2 submitters: Uncertain significance (2). Last evaluated 2025-07-23.

Allele frequency attached by ClinVar (database versions not stated): gnomAD exomes 0.00001; TOPMed 0.00001; ExAC 0.00002; ESP Exome Variant Server 0.00008.

Submissions (2):

Labcorp Genetics (formerly Invitae), Labcorp
Classification: Uncertain significance. Last evaluated: 2025-07-23. Review status: criteria provided, single submitter. Criteria: Invitae Variant Classification Sherloc (09022015). Collection method: clinical testing. Allele origin: germline.
Comment: This sequence change replaces glycine, which is neutral and non-polar, with glutamic acid, which is acidic and polar, at codon 383 of the FLNB protein (p.Gly383Glu). This variant is present in population databases (rs368729696, gnomAD 0.004%). This variant has not been reported in the literature in individuals affected with FLNB-related conditions. ClinVar contains an entry for this variant (Variation ID: 1396290). An algorithm developed to predict the effect of missense changes on protein structure and function (PolyPhen-2) suggests that this variant is likely to be disruptive. Algorithms developed to predict the effect of sequence changes on RNA splicing suggest that this variant may create or strengthen a splice site. In summary, the available evidence is currently insufficient to determine the role of this variant in disease. Therefore, it has been classified as a Variant of Uncertain Significance.

Blueprint Genetics
Classification: Uncertain significance. Last evaluated: 2021-10-07. Review status: criteria provided, single submitter. Criteria: ACMG Guidelines, 2015. Collection method: clinical testing. Allele origin: germline.